The following is an entry in ClinVar:

ClinVar aggregate classification (germline): Uncertain significance (1 of 4 stars; one submission).

Allele frequency attached by ClinVar (database versions not stated): gnomAD 0.00001.
gnomAD v4.1: 1 of 1,594,450 alleles (0.000063%); highest among the groups gnomAD compares: African/African-American, 0.0013%; no homozygotes.

Submission:

Labcorp Genetics (formerly Invitae), Labcorp
Classification: Uncertain significance. Last evaluated: 2021-11-03. Review status: criteria provided, single submitter. Criteria: Invitae Variant Classification Sherloc (09022015). Collection method: clinical testing. Allele origin: germline.
Comment: This sequence change falls in intron 34 of the NBAS gene. It does not directly change the encoded amino acid sequence of the NBAS protein. It affects a nucleotide within the consensus splice site. This variant is not present in population databases (gnomAD no frequency). This variant has not been reported in the literature in individuals affected with NBAS-related conditions. Variants that disrupt the consensus splice site are a relatively common cause of aberrant splicing (PMID: 17576681, 9536098). Algorithms developed to predict the effect of sequence changes on RNA splicing suggest that this variant is not likely to affect RNA splicing. In summary, the available evidence is currently insufficient to determine the role of this variant in disease. Therefore, it has been classified as a Variant of Uncertain Significance.

Literature cited by the submitters: PubMed 17576681; PubMed 9536098.

NM_015909.4(NBAS):c.4090-3T>C

Gene: NBAS (NBAS subunit of NRZ tethering complex; minus strand). Cytogenetic location: 2p24.3.
Variant type: single nucleotide variant.
Coding change: c.4090-3T>C on transcript NM_015909.4 (MANE Select); 3 bases into the intron before coding-DNA position 4090, T replaced by C.
Molecular consequence: intron variant.
Genome position (GRCh38, 1-based): chr2:15,352,084, A>G on the plus strand (T>C on the coding strand, the complement: NBAS is on the minus strand). VCF-style: chr2-15352084-A-G. GRCh37 (hg19) VCF-style: chr2-15492208-A-G.
Identifiers: ClinVar variation 1516545 (VCV001516545.6), dbSNP rs1673389147, ClinGen allele CA1027849390.